The following is an entry in ClinVar:

ClinVar aggregate classification (germline): Uncertain significance (1 of 4 stars; one submission).

Conditions:
UDPglucose-4-epimerase deficiency. Also called: UDP-GALACTOSE-4-EPIMERASE DEFICIENCY; Galactose epimerase deficiency; UDPglucose 4-Epimerase Deficiency Disease; Epimerase Deficiency Galactosemia; GALACTOSEMIA III; GALE DEFICIENCY. Identifiers: Orphanet 352, Orphanet 79238, MedGen C0751161, MONDO:0009257, OMIM 230350.

gnomAD v4.1: 7 of 1,614,042 alleles (0.00043%); highest among the groups gnomAD compares: African/African-American, 0.008%; no homozygotes.

Submission:

Labcorp Genetics (formerly Invitae), Labcorp
Classification: Uncertain significance for UDPglucose-4-epimerase deficiency. Last evaluated: 2025-12-14. Review status: criteria provided, single submitter. Criteria: Invitae Variant Classification Sherloc (09022015). Collection method: clinical testing. Allele origin: germline.
Comment: This sequence change replaces threonine, which is neutral and polar, with alanine, which is neutral and non-polar, at codon 110 of the GALE protein (p.Thr110Ala). This variant is present in population databases (rs563824385, gnomAD 0.007%). This variant has not been reported in the literature in individuals affected with GALE-related conditions. Invitae Evidence Modeling of protein sequence and biophysical properties (such as structural, functional, and spatial information, amino acid conservation, physicochemical variation, residue mobility, and thermodynamic stability) indicates that this missense variant is not expected to disrupt GALE protein function with a negative predictive value of 80%. In summary, the available evidence is currently insufficient to determine the role of this variant in disease. Therefore, it has been classified as a Variant of Uncertain Significance.

NM_001008216.2(GALE):c.328A>G (p.Thr110Ala)

Gene: GALE (UDP-galactose-4-epimerase; minus strand). Cytogenetic location: 1p36.11.
Variant type: single nucleotide variant.
Coding change: c.328A>G on transcript NM_001008216.2 (MANE Select); coding-DNA position 328, A replaced by G.
Protein change: p.Thr110Ala; replaces threonine 110 with alanine.
Molecular consequence: missense variant.
Genome position (GRCh38, 1-based): chr1:23,798,140, T>C on the plus strand (A>G on the coding strand, the complement: GALE is on the minus strand). VCF-style: chr1-23798140-T-C. GRCh37 (hg19) VCF-style: chr1-24124630-T-C.
Other names: c.328A>G, p.Thr110Ala (NM_000403.4, NM_001127621.2); short protein forms T110A.
Identifiers: ClinVar variation 4764320 (VCV004764320.1).